The following is an entry in ClinVar:

ClinVar aggregate classification (germline): Uncertain significance. Review status: criteria provided, multiple submitters, no conflicts (2 of 4 stars). 2 submissions from 2 submitters: Uncertain significance (2). Last evaluated 2021-08-30.

Conditions:
Hermansky-Pudlak syndrome 2 (HPS2). Also called: Platelet defects and oculocutaneous albinism. Identifiers: Orphanet 183678, Orphanet 79430, MedGen C1842362, MONDO:0011997, OMIM 608233.
Autoinflammatory syndrome. Identifiers: Orphanet 93665, MedGen C3890737, MONDO:0019751.

Allele frequency attached by ClinVar (database versions not stated): gnomAD exomes below 0.00001 and 0.00002; TOPMed below 0.00001; gnomAD 0.00001 and 0.00002; ExAC 0.00005; 1000 Genomes Project 30x 0.00016; 1000 Genomes Project 0.00020.

Submissions (2):

Labcorp Genetics (formerly Invitae), Labcorp
Classification: Uncertain significance for Hermansky-Pudlak syndrome 2. Last evaluated: 2021-08-30. Review status: criteria provided, single submitter. Criteria: Invitae Variant Classification Sherloc (09022015). Collection method: clinical testing. Allele origin: germline.
Comment: This sequence change replaces methionine with isoleucine at codon 1056 of the AP3B1 protein (p.Met1056Ile). The methionine residue is moderately conserved and there is a small physicochemical difference between methionine and isoleucine. This variant is present in population databases (rs535976982, ExAC 0.07%). This variant has not been reported in the literature in individuals affected with AP3B1-related conditions. Algorithms developed to predict the effect of missense changes on protein structure and function (SIFT, PolyPhen-2, Align-GVGD) all suggest that this variant is likely to be tolerated. In summary, the available evidence is currently insufficient to determine the role of this variant in disease. Therefore, it has been classified as a Variant of Uncertain Significance.

Genome Diagnostics Laboratory, The Hospital for Sick Children
Classification: Uncertain significance for Autoinflammatory syndrome. Last evaluated: 2018-06-01. Review status: criteria provided, single submitter. Criteria: ACMG Guidelines, 2015. Collection method: clinical testing. Allele origin: germline. Affected: yes.

NM_003664.5(AP3B1):c.3168G>T (p.Met1056Ile)

Gene: AP3B1 (adaptor related protein complex 3 subunit beta 1; minus strand). Cytogenetic location: 5q14.1.
Variant type: single nucleotide variant.
Coding change: c.3168G>T on transcript NM_003664.5 (MANE Select); coding-DNA position 3168, G replaced by T.
Protein change: p.Met1056Ile; replaces methionine 1056 with isoleucine.
Molecular consequence: missense variant.
Genome position (GRCh38, 1-based): chr5:78,003,019, C>A on the plus strand (G>T on the coding strand, the complement: AP3B1 is on the minus strand). VCF-style: chr5-78003019-C-A. GRCh37 (hg19) VCF-style: chr5-77298843-C-A.
Other names: c.3021G>T, p.Met1007Ile (NM_001271769.2); short protein forms M1056I, M1007I.
Identifiers: ClinVar variation 836276 (VCV000836276.10), dbSNP rs535976982, ClinGen allele CA3316539.
Genomic context (GRCh38, chr5:78,003,019, plus strand): 5'-TTTCTCAGTGTTTATGATAAGCTGGGCTGTAGAGCCTTCCTTCAGTTCCACTGTGACTAG[C>A]ATCAATGACCCACTGTGCACAGTTTTAGCTGCAAACCTGGAAGAGAAAAAAGAGAGACCT-3'
Protein context (NP_003655.3, residues 1046-1066): AAKTVHSGSL[Met1056Ile]LVTVELKEGS